The following is an entry in ClinVar:

NM_004281.4(BAG3):c.1414G>A (p.Gly472Arg)

Gene: BAG3 (BAG cochaperone 3; plus strand). Cytogenetic location: 10q26.11.
Variant type: single nucleotide variant.
Coding change: c.1414G>A on transcript NM_004281.4 (MANE Select); coding-DNA position 1414, G replaced by A.
Protein change: p.Gly472Arg; replaces glycine 472 with arginine.
Molecular consequence: missense variant.
Genome position (GRCh38, 1-based): chr10:119,676,968, G>A. VCF-style: chr10-119676968-G-A. GRCh37 (hg19) VCF-style: chr10-121436480-G-A.
Other names: short protein forms G472R.
Identifiers: ClinVar variation 1024551 (VCV001024551.10), dbSNP rs1847246944, ClinGen allele CA378297271.

ClinVar aggregate classification (germline): Uncertain significance (1 of 4 stars; one submission).

Conditions:
Myofibrillar myopathy 6. Identifiers: Orphanet 199340, MedGen C2751831, MONDO:0013061, OMIM 612954.
Dilated cardiomyopathy 1HH (CMD1HH). Identifiers: Orphanet 154, MedGen C3151293, MONDO:0013479, OMIM 613881.

Allele frequency attached by ClinVar (database versions not stated): gnomAD exomes below 0.00001.

Submission:

Labcorp Genetics (formerly Invitae), Labcorp
Classification: Uncertain significance for Dilated cardiomyopathy 1HH; Myofibrillar myopathy 6. Last evaluated: 2026-01-27. Review status: criteria provided, single submitter. Criteria: Invitae Variant Classification Sherloc (09022015). Collection method: clinical testing. Allele origin: germline.
Comment: This sequence change replaces glycine, which is neutral and non-polar, with arginine, which is basic and polar, at codon 472 of the BAG3 protein (p.Gly472Arg). This variant is not present in population databases (gnomAD no frequency). This variant has not been reported in the literature in individuals affected with BAG3-related conditions. ClinVar contains an entry for this variant (Variation ID: 1024551). Invitae Evidence Modeling of protein sequence and biophysical properties (such as structural, functional, and spatial information, amino acid conservation, physicochemical variation, residue mobility, and thermodynamic stability) indicates that this missense variant is expected to disrupt BAG3 protein function with a positive predictive value of 80%. In summary, the available evidence is currently insufficient to determine the role of this variant in disease. Therefore, it has been classified as a Variant of Uncertain Significance.